The following is an entry in ClinVar:

ClinVar aggregate classification (germline): Likely benign (1 of 4 stars; one submission).

Submission:

CeGaT Center for Human Genetics Tuebingen
Classification: Likely benign. Last evaluated: 2025-09-01. Review status: criteria provided, single submitter. Criteria: CeGaT Center For Human Genetics Tuebingen Variant Classification Criteria Version 2. Collection method: clinical testing. Allele origin: germline. Affected: yes. Observed: 1 variant allele.
Comment: TAF2: PM2:Supporting, BP4, BP7

NM_003184.4(TAF2):c.2403C>T (p.Ala801=)

Gene: TAF2 (TATA-box binding protein associated factor 2; minus strand). Cytogenetic location: 8q24.12.
Variant type: single nucleotide variant.
Coding change: c.2403C>T on transcript NM_003184.4 (MANE Select); coding-DNA position 2403, C replaced by T.
Protein change: p.Ala801=; no amino-acid change (alanine 801 retained).
Molecular consequence: synonymous variant.
Genome position (GRCh38, 1-based): chr8:119,762,570, G>A on the plus strand (C>T on the coding strand, the complement: TAF2 is on the minus strand). VCF-style: chr8-119762570-G-A. GRCh37 (hg19) VCF-style: chr8-120774810-G-A.
Other names: c.2403C>T, p.Ala801= (NM_001437338.1); c.2292C>T, p.Ala764= (NM_001437339.1, NM_001438084.1).
Identifiers: ClinVar variation 4281480 (VCV004281480.7).